The following is an entry in ClinVar:

NM_032578.4(MYPN):c.3440T>C (p.Ile1147Thr)

Gene: MYPN (myopalladin; plus strand). Cytogenetic location: 10q21.3.
Variant type: single nucleotide variant.
Coding change: c.3440T>C on transcript NM_032578.4 (MANE Select); coding-DNA position 3440, T replaced by C.
Protein change: p.Ile1147Thr; replaces isoleucine 1147 with threonine.
Molecular consequence: missense variant. On other transcripts: non-coding transcript variant (2).
Genome position (GRCh38, 1-based): chr10:68,199,522, T>C. VCF-style: chr10-68199522-T-C. GRCh37 (hg19) VCF-style: chr10-69959279-T-C.
Other names: c.3440T>C, p.Ile1147Thr (NM_001256267.2); c.2558T>C, p.Ile853Thr (NM_001256268.2); short protein forms I1147T, I853T.
Identifiers: ClinVar variation 945380 (VCV000945380.10), dbSNP rs201600440, ClinGen allele CA208226200.

ClinVar aggregate classification (germline): Uncertain significance. Review status: criteria provided, multiple submitters, no conflicts (2 of 4 stars). 2 submissions from 2 submitters: Uncertain significance (2). Last evaluated 2024-08-04.

Conditions:
Dilated cardiomyopathy 1KK (CMD1KK). Identifiers: Orphanet 154, Orphanet 75249, MedGen C3714995, MONDO:0014100, OMIM 615248.

Allele frequency attached by ClinVar (database versions not stated): TOPMed 0.00001.
gnomAD v4.1: 10 of 1,614,036 alleles (0.00062%); highest among the groups gnomAD compares: East Asian, 0.0022%; no homozygotes.

Submissions (2):

GeneDx
Classification: Uncertain significance. Last evaluated: 2024-08-04. Review status: criteria provided, single submitter. Criteria: GeneDx Variant Classification Process June 2021. Collection method: clinical testing. Allele origin: germline. Affected: yes.
Comment: Not observed at significant frequency in large population cohorts (gnomAD); In silico analysis supports that this missense variant has a deleterious effect on protein structure/function; Has not been previously published as pathogenic or benign to our knowledge

Labcorp Genetics (formerly Invitae), Labcorp
Classification: Uncertain significance for Dilated cardiomyopathy 1KK. Last evaluated: 2022-02-04. Review status: criteria provided, single submitter. Criteria: Invitae Variant Classification Sherloc (09022015). Collection method: clinical testing. Allele origin: germline.
Comment: In summary, the available evidence is currently insufficient to determine the role of this variant in disease. Therefore, it has been classified as a Variant of Uncertain Significance. Algorithms developed to predict the effect of missense changes on protein structure and function (SIFT, PolyPhen-2, Align-GVGD) all suggest that this variant is likely to be tolerated. ClinVar contains an entry for this variant (Variation ID: 945380). This variant has not been reported in the literature in individuals affected with MYPN-related conditions. This variant is present in population databases (no rsID available, gnomAD 0.0009%). This sequence change replaces isoleucine, which is neutral and non-polar, with threonine, which is neutral and polar, at codon 1147 of the MYPN protein (p.Ile1147Thr).